The following is an entry in ClinVar:

NM_001440.4(EXTL3):c.1318C>T (p.Arg440Cys)

Gene: EXTL3 (exostosin like glycosyltransferase 3; plus strand). Cytogenetic location: 8p21.1.
Variant type: single nucleotide variant.
Coding change: c.1318C>T on transcript NM_001440.4 (MANE Select); coding-DNA position 1318, C replaced by T.
Protein change: p.Arg440Cys; replaces arginine 440 with cysteine.
Molecular consequence: missense variant.
Genome position (GRCh38, 1-based): chr8:28,717,377, C>T. VCF-style: chr8-28717377-C-T. GRCh37 (hg19) VCF-style: chr8-28574894-C-T.
Other names: short protein forms R440C.
Identifiers: ClinVar variation 1973353 (VCV001973353.4), dbSNP rs540181609, ClinGen allele CA4696186.

ClinVar aggregate classification (germline): Uncertain significance (1 of 4 stars; one submission).
ClinVar aggregate classification (oncogenicity): Uncertain significance (1 of 4 stars; one submission).

Conditions:
Meningioma. Also called: Meningioma, somatic. Identifiers: Orphanet 2495, MedGen C0025286, MONDO:0016642, HP:0002858.

Allele frequency attached by ClinVar (database versions not stated): ExAC 0.00002; gnomAD 0.00002; gnomAD exomes 0.00002; TOPMed 0.00003.
gnomAD v4.1: 35 of 1,614,190 alleles (0.0022%); highest among the groups gnomAD compares: Non-Finnish European, 0.0027%; no homozygotes.

Submissions (2):

Dr. Guy Rouleau's laboratory, McGill University
Classification: Uncertain significance for Meningioma. Last evaluated: 2025-03-30. Review status: criteria provided, single submitter. Criteria: ClinGen/CGC/VICC Guidelines for Oncogenicity, 2022. Collection method: research. Allele origin: somatic. Affected: yes.
Comment: This missense variant, located at position 440 in the EXTL3 gene, results in a substitution of Arginine (R), a basic amino acid, with Cysteine (C), a neutral and sulfur-containing amino acid. This somatic variant was identified in a paired tumor-blood sequencing study of meningiomas. It has been reported in population databases, specifically in gnomAD v2.1.1, with an allele frequency of 0.00002475 and an exome coverage of 88X. This variant is associated with several publications (PMIDs: 26502337, 27397505, 33230298, 35176222). However, due to insufficient evidence, the clinical significance of this variant remains unknown.

Labcorp Genetics (formerly Invitae), Labcorp
Classification: Uncertain significance. Last evaluated: 2024-10-22. Review status: criteria provided, single submitter. Criteria: Invitae Variant Classification Sherloc (09022015). Collection method: clinical testing. Allele origin: germline.
Comment: This sequence change replaces arginine, which is basic and polar, with cysteine, which is neutral and slightly polar, at codon 440 of the EXTL3 protein (p.Arg440Cys). This variant is present in population databases (rs540181609, gnomAD 0.005%). This variant has not been reported in the literature in individuals affected with EXTL3-related conditions. ClinVar contains an entry for this variant (Variation ID: 1973353). Invitae Evidence Modeling of protein sequence and biophysical properties (such as structural, functional, and spatial information, amino acid conservation, physicochemical variation, residue mobility, and thermodynamic stability) indicates that this missense variant is not expected to disrupt EXTL3 protein function with a negative predictive value of 80%. In summary, the available evidence is currently insufficient to determine the role of this variant in disease. Therefore, it has been classified as a Variant of Uncertain Significance.